The following is an entry in ClinVar:

ClinVar aggregate classification (germline): Pathogenic (1 of 4 stars; one submission).

Submission:

Labcorp Genetics (formerly Invitae), Labcorp
Classification: Pathogenic. Last evaluated: 2025-03-24. Review status: criteria provided, single submitter. Criteria: Invitae Variant Classification Sherloc (09022015). Collection method: clinical testing. Allele origin: germline.
Comment: This sequence change creates a premature translational stop signal (p.Trp323Cysfs*41) in the ARSG gene. It is expected to result in an absent or disrupted protein product. Loss-of-function variants in ARSG are known to be pathogenic (PMID: 26975023, 34223797). This variant is not present in population databases (gnomAD no frequency). This variant has not been reported in the literature in individuals affected with ARSG-related conditions. For these reasons, this variant has been classified as Pathogenic.

Literature cited by the submitters: PubMed 26975023; PubMed 34223797.

NM_001267727.2(ARSG):c.969del (p.Trp323fs)

Gene: ARSG (arylsulfatase G; plus strand). Cytogenetic location: 17q24.2.
Variant type: Deletion.
Coding change: c.969del on transcript NM_001267727.2 (MANE Select); coding-DNA position 969, one base deleted (G; older notation c.969delG).
Protein change: p.Trp323fs; shifts the reading frame from tryptophan 323.
Molecular consequence: frameshift variant.
Genome position (GRCh38, 1-based): chr17:68,370,511, G deleted; the last of 2 consecutive G bases (chr17:68,370,510-68,370,511); deleting either gives the same sequence. VCF-style (leftmost placement, unchanged base first): chr17-68370509-TG-T. GRCh37 (hg19) VCF-style: chr17-66366650-TG-T.
Other names: c.969del, p.Trp323fs (NM_001352899.2, NM_001352900.2, NM_001352901.2 and 3 more transcripts); c.966del, p.Trp322fs (NM_001352903.2, NM_001352904.2, NM_001352905.2 and 2 more transcripts); c.921del, p.Trp307fs (NM_001352909.2); short protein forms W323fs, W307fs, W322fs.
Identifiers: ClinVar variation 3726153 (VCV003726153.2).
Genomic context (GRCh38, chr17:68,370,509, plus strand): 5'-AATGGCCCGTGGGCTCAGAAGTGTGAGCTAGCGGGCAGTGTGGGTCCCTTCACTGGATTT[TG>T]GCAAACTCGTCAAGGTAAGGGGCTCAGCTGGGGTTGGTGGATCCCATTGCAATGCTGAGC-3'